The following is an entry in ClinVar:

NM_002335.4(LRP5):c.77C>T (p.Pro26Leu)

Gene: LRP5 (LDL receptor related protein 5; plus strand). Cytogenetic location: 11q13.2.
Variant type: single nucleotide variant.
Coding change: c.77C>T on transcript NM_002335.4 (MANE Select); coding-DNA position 77, C replaced by T.
Protein change: p.Pro26Leu; replaces proline 26 with leucine.
Molecular consequence: missense variant. On other transcripts: 5 prime UTR variant (1).
Genome position (GRCh38, 1-based): chr11:68,312,791, C>T. VCF-style: chr11-68312791-C-T. GRCh37 (hg19) VCF-style: chr11-68080259-C-T.
Other names: c.-1689C>T (NM_001291902.2); short protein forms P26L.
Identifiers: ClinVar variation 3623233 (VCV003623233.2).
Genomic context (GRCh38, chr11:68,312,791, plus strand): 5'-CCGGGCCGCCGTGGCCGCTGCTGCTGCTGCTGCTGCTGCTGCTGGCGCTGTGCGGCTGCC[C>T]GGCCCCCGCCGCGGGTAGGTGGGCGCAGGCCGGCCGGGGGCCGCGGGTTGCTCGGACAAT-3'
Protein context (NP_002326.2, residues 16-36): LLLLLALCGC[Pro26Leu]APAAASPLLL

ClinVar aggregate classification (germline): Uncertain significance (1 of 4 stars; one submission).

Submission:

Labcorp Genetics (formerly Invitae), Labcorp
Classification: Uncertain significance. Last evaluated: 2024-11-03. Review status: criteria provided, single submitter. Criteria: Invitae Variant Classification Sherloc (09022015). Collection method: clinical testing. Allele origin: germline.
Comment: This sequence change replaces proline, which is neutral and non-polar, with leucine, which is neutral and non-polar, at codon 26 of the LRP5 protein (p.Pro26Leu). This variant is not present in population databases (gnomAD no frequency). This variant has not been reported in the literature in individuals affected with LRP5-related conditions. Invitae Evidence Modeling of protein sequence and biophysical properties (such as structural, functional, and spatial information, amino acid conservation, physicochemical variation, residue mobility, and thermodynamic stability) indicates that this missense variant is not expected to disrupt LRP5 protein function with a negative predictive value of 95%. In summary, the available evidence is currently insufficient to determine the role of this variant in disease. Therefore, it has been classified as a Variant of Uncertain Significance.